The following is an entry in ClinVar:

ClinVar aggregate classification (germline): Uncertain significance (1 of 4 stars; one submission).

Conditions:
Hyperphosphatasia with impaired intellectual development syndrome 2. Also called: Hyperphosphatasia with intellectual disability syndrome 2; GLYCOSYLPHOSPHATIDYLINOSITOL BIOSYNTHESIS DEFECT 6. Identifiers: Orphanet 247262, MedGen C3553637, MONDO:0013882, OMIM 614749.

Submission:

Labcorp Genetics (formerly Invitae), Labcorp
Classification: Uncertain significance for Hyperphosphatasia with impaired intellectual development syndrome 2. Last evaluated: 2022-06-20. Review status: criteria provided, single submitter. Criteria: Invitae Variant Classification Sherloc (09022015). Collection method: clinical testing. Allele origin: germline.
Comment: ClinVar contains an entry for this variant (Variation ID: 1027282). In summary, the available evidence is currently insufficient to determine the role of this variant in disease. Therefore, it has been classified as a Variant of Uncertain Significance. Experimental studies and prediction algorithms are not available or were not evaluated, and the functional significance of this variant is currently unknown. This variant has not been reported in the literature in individuals affected with PIGO-related conditions. This variant is present in population databases (rs756923468, gnomAD 0.005%). This variant, c.1407_1421del, results in the deletion of 5 amino acid(s) of the PIGO protein (p.Gln470_Ser474del), but otherwise preserves the integrity of the reading frame.

NM_032634.4(PIGO):c.1407_1421del (p.Gln470_Ser474del)

Gene: PIGO (phosphatidylinositol glycan anchor biosynthesis class O; minus strand). Cytogenetic location: 9p13.3.
Variant type: Deletion.
Coding change: c.1407_1421del on transcript NM_032634.4 (MANE Select); coding-DNA positions 1407 to 1421, 15 bases deleted (TCAGTGGGCAATATC).
Protein change: p.Gln470_Ser474del.
Molecular consequence: inframe deletion. On other transcripts: intron variant (2).
Genome position (GRCh38, 1-based): chr9:35,092,466-35,092,480, GATATTGCCCACTGA deleted on the plus strand (TCAGTGGGCAATATC on the coding strand, the reverse complement: PIGO is on the minus strand); deleting any 15 consecutive bases within chr9:35,092,466-35,092,483 gives the same sequence; the c. name uses the placement nearest the transcript's 3' end. VCF-style (leftmost placement, unchanged base first): chr9-35092465-GGATATTGCCCACTGA-G. GRCh37 (hg19) VCF-style: chr9-35092462-GGATATTGCCCACTGA-G.
Other names: c.1344+63_1344+77del (NM_152850.4, NM_001201484.2).
Identifiers: ClinVar variation 1027282 (VCV001027282.8), dbSNP rs756923468, ClinGen allele CA5040635.